The following is an entry in ClinVar:

ClinVar aggregate classification (germline): Likely benign (0 of 4 stars; one submission).

Conditions:
CHD7-related disorder. Also called: CHD7-related condition.

Submission:

PreventionGenetics, part of Exact Sciences
Classification: Likely benign for CHD7-related condition. Last evaluated: 2022-05-25. Review status: no assertion criteria provided. Collection method: clinical testing. Allele origin: germline.
Comment: This variant is classified as likely benign based on ACMG/AMP sequence variant interpretation guidelines (Richards et al. 2015 PMID: 25741868, with internal and published modifications).

NM_017780.4(CHD7):c.*6_*17del

Gene: CHD7 (chromodomain helicase DNA binding protein 7; plus strand). Cytogenetic location: 8q12.2.
Variant type: Deletion.
Coding change: c.*6_*17del on transcript NM_017780.4 (MANE Select); 6 bases downstream of the stop codon through 17 bases downstream of the stop codon, 12 bases deleted (ACCAGTTCCAGT).
Molecular consequence: 3 prime UTR variant.
Genome position (GRCh38, 1-based): chr8:60,865,939-60,865,950, ACCAGTTCCAGT deleted; deleting any 12 consecutive bases within chr8:60,865,934-60,865,950 gives the same sequence; the c. name uses the placement nearest the transcript's 3' end. VCF-style (leftmost placement, unchanged base first): chr8-60865933-ACCAGTACCAGTT-A. GRCh37 (hg19) VCF-style: chr8-61778492-ACCAGTACCAGTT-A.
Other names: c.*6_*17del (NM_001316690.1).
Identifiers: ClinVar variation 3030391 (VCV003030391.2), dbSNP rs1160698916, ClinGen allele CA461106384.